The following is an entry in ClinVar:

NM_002617.4(PEX10):c.60C>A (p.Tyr20Ter)

Gene: PEX10 (peroxisomal biogenesis factor 10; minus strand). Cytogenetic location: 1p36.32.
Variant type: single nucleotide variant.
Coding change: c.60C>A on transcript NM_002617.4 (MANE Select); coding-DNA position 60, C replaced by A.
Protein change: p.Tyr20Ter; replaces tyrosine 20 with a stop codon.
Molecular consequence: nonsense. On other transcripts: intron variant (2).
Genome position (GRCh38, 1-based): chr1:2,412,443, G>T on the plus strand (C>A on the coding strand, the complement: PEX10 is on the minus strand). VCF-style: chr1-2412443-G-T. GRCh37 (hg19) VCF-style: chr1-2343882-G-T.
Other names: c.60C>A, p.Tyr20Ter (NM_001374425.1, NM_153818.2); c.-321+1154C>A (NM_001374427.1, NM_001374426.1); short protein forms Y20*.
Identifiers: ClinVar variation 4816950 (VCV004816950.1).

ClinVar aggregate classification (germline): Likely pathogenic (1 of 4 stars; one submission).

Conditions:
Zellweger spectrum disorders (ZS). Also called: Zellweger Spectrum Disorder (ZSD); Zellweger syndrome; Zellweger Spectrum Disorder; Zellweger Spectrum. Identifiers: Orphanet 912, MedGen C0043459, MONDO:0019609.

Submission:

Natera, Inc.
Classification: Likely pathogenic for Zellweger syndrome. Last evaluated: 2024-10-12. Review status: criteria provided, single submitter. Criteria: Natera Variant Classification Schema (03/2026). Collection method: clinical testing. Allele origin: germline.
Comment: The c.60C>A variant in PEX10 is a nonsense variant predicted to introduce a stop codon at amino acid 20. This variant is expected to result in nonsense mediated decay, truncation, or a dysfunctional protein product. This variant is rare in the general population with a frequency below the threshold expected for the associated phenotype(s). Given the available evidence, this variant is classified as Likely Pathogenic.